The following is an entry in ClinVar:

NM_001037.5(SCN1B):c.218A>G (p.Tyr73Cys)

Gene: SCN1B (sodium voltage-gated channel beta subunit 1; plus strand). Cytogenetic location: 19q13.11.
Variant type: single nucleotide variant.
Coding change: c.218A>G on transcript NM_001037.5 (MANE Select); coding-DNA position 218, A replaced by G.
Protein change: p.Tyr73Cys; replaces tyrosine 73 with cysteine.
Molecular consequence: missense variant.
Genome position (GRCh38, 1-based): chr19:35,033,509, A>G. VCF-style: chr19-35033509-A-G. GRCh37 (hg19) VCF-style: chr19-35524413-A-G.
Other names: c.119A>G, p.Tyr40Cys (NM_001321605.2); c.218A>G, p.Tyr73Cys (NM_199037.5); short protein forms Y40C, Y73C.
Identifiers: ClinVar variation 2579916 (VCV002579916.4), dbSNP rs2514234280, ClinGen allele CA405328487.

ClinVar aggregate classification (germline): Uncertain significance. Review status: criteria provided, multiple submitters, no conflicts (2 of 4 stars). 2 submissions from 2 submitters: Uncertain significance (2). Last evaluated 2023-05-16.

Conditions:
Brugada syndrome 5 (BRGDA5). Identifiers: Orphanet 130, Orphanet 871, MedGen C2748541, MONDO:0013015, OMIM 612838.

Submissions (2):

Labcorp Genetics (formerly Invitae), Labcorp
Classification: Uncertain significance for Brugada syndrome 5. Last evaluated: 2023-05-16. Review status: criteria provided, single submitter. Criteria: Invitae Variant Classification Sherloc (09022015). Collection method: clinical testing. Allele origin: germline.
Comment: This sequence change replaces tyrosine, which is neutral and polar, with cysteine, which is neutral and slightly polar, at codon 73 of the SCN1B protein (p.Tyr73Cys). This variant is not present in population databases (gnomAD no frequency). This variant has not been reported in the literature in individuals affected with SCN1B-related conditions. An algorithm developed to predict the effect of missense changes on protein structure and function (PolyPhen-2) suggests that this variant is likely to be tolerated. In summary, the available evidence is currently insufficient to determine the role of this variant in disease. Therefore, it has been classified as a Variant of Uncertain Significance.

GeneDx
Classification: Uncertain significance. Last evaluated: 2023-03-17. Review status: criteria provided, single submitter. Criteria: GeneDx Variant Classification Process June 2021. Collection method: clinical testing. Allele origin: germline. Affected: yes.
Comment: Not observed at significant frequency in large population cohorts (gnomAD); In silico analysis supports that this missense variant has a deleterious effect on protein structure/function; Has not been previously published as pathogenic or benign to our knowledge